The following is an entry in ClinVar:

ClinVar aggregate classification (germline): Uncertain significance. Review status: criteria provided, single submitter (1 of 4 stars). 2 submissions from 2 submitters: Uncertain significance (1). 1 of the submissions does not count toward it. Last evaluated 2024-06-03.

Conditions:
GRIP1-related disorder. Also called: GRIP1-related condition.

Allele frequency attached by ClinVar (database versions not stated): ExAC 0.00012; 1000 Genomes Project 0.00020; 1000 Genomes Project 30x 0.00031; gnomAD 0.00052; TOPMed 0.00063; ESP Exome Variant Server 0.00076.
gnomAD v4.1: 305 of 1,613,992 alleles (0.019%); highest among the groups gnomAD compares: African/African-American, 0.15%; no homozygotes.

Submissions (2):

Labcorp Genetics (formerly Invitae), Labcorp
Classification: Uncertain significance. Last evaluated: 2024-06-03. Review status: criteria provided, single submitter. Criteria: Invitae Variant Classification Sherloc (09022015). Collection method: clinical testing. Allele origin: germline.
Comment: This sequence change replaces alanine, which is neutral and non-polar, with threonine, which is neutral and polar, at codon 573 of the GRIP1 protein (p.Ala573Thr). This variant is present in population databases (rs202029416, gnomAD 0.2%). This variant has not been reported in the literature in individuals affected with GRIP1-related conditions. ClinVar contains an entry for this variant (Variation ID: 2085623). Advanced modeling of protein sequence and biophysical properties (such as structural, functional, and spatial information, amino acid conservation, physicochemical variation, residue mobility, and thermodynamic stability) performed at Invitae indicates that this missense variant is not expected to disrupt GRIP1 protein function with a negative predictive value of 80%. In summary, the available evidence is currently insufficient to determine the role of this variant in disease. Therefore, it has been classified as a Variant of Uncertain Significance.

PreventionGenetics, part of Exact Sciences
Classification: Likely benign for GRIP1-related condition. Last evaluated: 2022-03-28. Review status: no assertion criteria provided. Collection method: clinical testing. Allele origin: germline. Not counted in ClinVar's aggregate classification.
Comment: This variant is classified as likely benign based on ACMG/AMP sequence variant interpretation guidelines (Richards et al. 2015 PMID: 25741868, with internal and published modifications).

NM_001366722.1(GRIP1):c.1873G>A (p.Ala625Thr)

Gene: GRIP1 (glutamate receptor interacting protein 1; minus strand). Cytogenetic location: 12q14.3.
Variant type: single nucleotide variant.
Coding change: c.1873G>A on transcript NM_001366722.1 (MANE Select); coding-DNA position 1873, G replaced by A.
Protein change: p.Ala625Thr; replaces alanine 625 with threonine.
Molecular consequence: missense variant.
Genome position (GRCh38, 1-based): chr12:66,406,394, C>T on the plus strand (G>A on the coding strand, the complement: GRIP1 is on the minus strand). VCF-style: chr12-66406394-C-T. GRCh37 (hg19) VCF-style: chr12-66800174-C-T.
Other names: c.1717G>A, p.Ala573Thr (NM_001178074.2, NM_001379351.1, NM_021150.4); c.1792G>A, p.Ala598Thr (NM_001366723.1, NM_001379348.1); c.1795G>A, p.Ala599Thr (NM_001366724.1, NM_001379347.1); c.1951G>A, p.Ala651Thr (NM_001379345.1); c.1873G>A, p.Ala625Thr (NM_001379346.1); c.1720G>A, p.Ala574Thr (NM_001379349.1); c.1717G>A (NM_021150.3); short protein forms A573T, A651T, A574T, A599T, A598T, A625T.
Identifiers: ClinVar variation 2085623 (VCV002085623.4), dbSNP rs202029416, ClinGen allele CA6674252.